The following is an entry in ClinVar:

ClinVar aggregate classification (germline): Likely pathogenic (1 of 4 stars; one submission).

Conditions:
Progressive muscular dystrophy. Identifiers: Orphanet 206644, MedGen C4551827, MONDO:0016106.

Submission:

Myriad Genetics, Inc.
Classification: Likely pathogenic for Progressive muscular dystrophy. Last evaluated: 2022-03-29. Review status: criteria provided, single submitter. Criteria: Myriad Autosomal Dominant, Autosomal Recessive and X-Linked Classification Criteria (2023). Collection method: clinical testing. Allele origin: unknown.
Comment: NM_004006.2(DMD):c.3928G>T(E1310*) is expected to be pathogenic in the context of dystrophinopathy (including Duchenne/Becker muscular dystrophy). This variant is predicted to lead to an abnormal or absent protein product due to the creation of a premature termination codon in DMD, a gene where loss-of-function variants are known to be pathogenic. Please note: this variant was assessed in the context of healthy population screening.

NM_004006.3(DMD):c.3928G>T (p.Glu1310Ter)

Gene: DMD (dystrophin; minus strand). Cytogenetic location: Xp21.1.
Variant type: single nucleotide variant.
Coding change: c.3928G>T on transcript NM_004006.3 (MANE Select); coding-DNA position 3928, G replaced by T.
Protein change: p.Glu1310Ter; replaces glutamic acid 1310 with a stop codon.
Molecular consequence: nonsense.
Genome position (GRCh38, 1-based): chrX:32,438,384, C>A on the plus strand (G>T on the coding strand, the complement: DMD is on the minus strand). VCF-style: chrX-32438384-C-A. GRCh37 (hg19) VCF-style: chrX-32456501-C-A.
Other names: c.3904G>T, p.Glu1302Ter (NM_000109.4); c.3916G>T, p.Glu1306Ter (NM_004009.3); c.3559G>T, p.Glu1187Ter (NM_004010.3); short protein forms E1187*, E1302*, E1306*, E1310*.
Identifiers: ClinVar variation 1725516 (VCV001725516.3), dbSNP rs2524074950, ClinGen allele CA412669545.